The following is an entry in ClinVar:

NM_000260.4(MYO7A):c.5770G>C (p.Ala1924Pro)

Gene: MYO7A (myosin VIIA; plus strand). Cytogenetic location: 11q13.5.
Variant type: single nucleotide variant.
Coding change: c.5770G>C on transcript NM_000260.4 (MANE Select); coding-DNA position 5770, G replaced by C.
Protein change: p.Ala1924Pro; replaces alanine 1924 with proline.
Molecular consequence: missense variant.
Genome position (GRCh38, 1-based): chr11:77,207,316, G>C. VCF-style: chr11-77207316-G-C. GRCh37 (hg19) VCF-style: chr11-76918361-G-C.
Other names: c.5656G>C, p.Ala1886Pro (NM_001127180.2); c.5623G>C, p.Ala1875Pro (NM_001369365.1); short protein forms A1875P, A1924P, A1886P.
Identifiers: ClinVar variation 936434 (VCV000936434.9), dbSNP rs1957511203, ClinGen allele CA381953930.

ClinVar aggregate classification (germline): Uncertain significance (1 of 4 stars; one submission).

Submission:

Labcorp Genetics (formerly Invitae), Labcorp
Classification: Uncertain significance. Last evaluated: 2022-02-10. Review status: criteria provided, single submitter. Criteria: Invitae Variant Classification Sherloc (09022015). Collection method: clinical testing. Allele origin: germline.
Comment: Advanced modeling of protein sequence and biophysical properties (such as structural, functional, and spatial information, amino acid conservation, physicochemical variation, residue mobility, and thermodynamic stability) performed at Invitae indicates that this missense variant is expected to disrupt MYO7A protein function. In summary, the available evidence is currently insufficient to determine the role of this variant in disease. Therefore, it has been classified as a Variant of Uncertain Significance. This sequence change replaces alanine, which is neutral and non-polar, with proline, which is neutral and non-polar, at codon 1924 of the MYO7A protein (p.Ala1924Pro). This variant is not present in population databases (gnomAD no frequency). This variant has not been reported in the literature in individuals affected with MYO7A-related conditions. ClinVar contains an entry for this variant (Variation ID: 936434).